The following is an entry in ClinVar:

ClinVar aggregate classification (germline): Uncertain significance (1 of 4 stars; one submission).

Conditions:
Hypertrophic cardiomyopathy 1 (CMH1). Also called: MYH7-Related Familial Hypertrophic Cardiomyopathy; Familial hypertrophic cardiomyopathy 1. Identifiers: MedGen C3495498, MONDO:0008647, OMIM 192600.

Submission:

Labcorp Genetics (formerly Invitae), Labcorp
Classification: Uncertain significance for Hypertrophic cardiomyopathy 1. Last evaluated: 2023-11-27. Review status: criteria provided, single submitter. Criteria: Invitae Variant Classification Sherloc (09022015). Collection method: clinical testing. Allele origin: germline.
Comment: This variant, c.646_654del, results in the deletion of 3 amino acid(s) of the MYLK2 protein (p.Gly216_Ala218del), but otherwise preserves the integrity of the reading frame. This variant is not present in population databases (gnomAD no frequency). This variant has not been reported in the literature in individuals affected with MYLK2-related conditions. Experimental studies and prediction algorithms are not available or were not evaluated, and the functional significance of this variant is currently unknown. In summary, the available evidence is currently insufficient to determine the role of this variant in disease. Therefore, it has been classified as a Variant of Uncertain Significance.

NM_033118.4(MYLK2):c.637GGCCAGGCT[1] (p.213GQA[1])

Gene: MYLK2 (myosin light chain kinase 2; plus strand). Cytogenetic location: 20q11.21.
Variant type: Microsatellite.
Coding change: c.637GGCCAGGCT[1] on transcript NM_033118.4 (MANE Select); one copy of the 9-base unit GGCCAGGCT starting at c.637; the reference has two copies in a row; one copy, 9 bases deleted.
Protein change: p.213GQA[1].
Molecular consequence: inframe deletion.
Genome position (GRCh38, 1-based): chr20:31,821,611-31,821,619, GGCCAGGCT deleted; deleting any 9 consecutive bases within chr20:31,821,602-31,821,619 gives the same sequence; the position shown is the placement nearest the transcript's 3' end. VCF-style (leftmost placement, unchanged base first): chr20-31821601-AGGCCAGGCT-A. GRCh37 (hg19) VCF-style: chr20-30409404-AGGCCAGGCT-A.
Identifiers: ClinVar variation 2858343 (VCV002858343.3), dbSNP rs2062252502, ClinGen allele CA2739277088.